The following is an entry in ClinVar:

ClinVar aggregate classification (germline): Benign/Likely benign. Review status: criteria provided, multiple submitters, no conflicts (2 of 4 stars). 6 submissions from 6 submitters: Benign (1); Likely benign (5). Last evaluated 2026-06-23.

Conditions:
Hereditary cancer-predisposing syndrome. Also called: Hereditary neoplastic syndrome; Neoplastic Syndromes, Hereditary; Hereditary Cancer Syndrome; Tumor predisposition. Identifiers: Orphanet 140162, MedGen C0027672, MeSH D009386, MONDO:0015356.
Retinoblastoma (RB1). Also called: RETINOBLASTOMA, SOMATIC. Identifiers: Orphanet 790, MedGen C0035335, MeSH D012175, MONDO:0008380, OMIM 180200, HP:0009919. Disease mechanism: loss of function. Inheritance: Both sporadic and heritable forms are tested..

Allele frequency attached by ClinVar (database versions not stated): gnomAD exomes below 0.00001 and 0.00001; ExAC 0.00001.
gnomAD v4.1: 6 of 1,611,822 alleles (0.00037%); highest among the groups gnomAD compares: Middle Eastern, 0.017%; no homozygotes.

Submissions (6):

Myriad Genetics, Inc.
Classification: Benign for Retinoblastoma. Last evaluated: 2026-06-23. Review status: criteria provided, single submitter. Criteria: Myriad Autosomal Dominant, Autosomal Recessive and X-Linked Classification Criteria (2023). Collection method: clinical testing. Allele origin: unknown.
Comment: This variant is considered benign. This variant is a silent/synonymous amino acid change and it is not expected to impact splicing.

Labcorp Genetics (formerly Invitae), Labcorp
Classification: Likely benign for Retinoblastoma. Last evaluated: 2025-08-18. Review status: criteria provided, single submitter. Criteria: Invitae Variant Classification Sherloc (09022015). Collection method: clinical testing. Allele origin: germline.

All of Us Research Program, National Institutes of Health
Classification: Likely benign for Retinoblastoma. Last evaluated: 2024-05-09. Review status: criteria provided, single submitter. Criteria: ACMG Guidelines, 2015. Collection method: clinical testing. Allele origin: germline. Inheritance: Autosomal dominant inheritance. Observed: 1 variant allele, 1 heterozygote.
Comment: This study involves interpretation of variants in research participants for the purpose of population health screening. Participant phenotype was not available at the time of variant classification. Additional details can be found in publication PMID: 35346344, PMCID: PMC8962531

CeGaT Center for Human Genetics Tuebingen
Classification: Likely benign. Last evaluated: 2024-01-01. Review status: criteria provided, single submitter. Criteria: CeGaT Center For Human Genetics Tuebingen Variant Classification Criteria Version 2. Collection method: clinical testing. Allele origin: germline. Affected: yes. Observed: 4 variant alleles.
Comment: RB1: BP4, BP7

Sema4
Classification: Likely benign for Hereditary cancer-predisposing syndrome. Last evaluated: 2021-09-18. Review status: criteria provided, single submitter. Criteria: Sema4 Curation Guidelines. Collection method: curation. Allele origin: germline.

Ambry Genetics
Classification: Likely benign for Hereditary cancer-predisposing syndrome. Last evaluated: 2017-03-30. Review status: criteria provided, single submitter. Criteria: Ambry Variant Classification Scheme 2023. Collection method: clinical testing. Allele origin: germline.

Literature cited by the submitters: PubMed 25754945 (cited by Ambry Genetics).

NM_000321.3(RB1):c.207T>C (p.His69=)

Gene: RB1 (RB transcriptional corepressor 1; plus strand). Cytogenetic location: 13q14.2.
Variant type: single nucleotide variant.
Coding change: c.207T>C on transcript NM_000321.3 (MANE Select); coding-DNA position 207, T replaced by C.
Protein change: p.His69=; no amino-acid change (histidine 69 retained).
Molecular consequence: synonymous variant.
Genome position (GRCh38, 1-based): chr13:48,307,349, T>C. VCF-style: chr13-48307349-T-C. GRCh37 (hg19) VCF-style: chr13-48881485-T-C.
Identifiers: ClinVar variation 486289 (VCV000486289.51), dbSNP rs759594127, ClinGen allele CA033937.
Genomic context (GRCh38, chr13:48,307,349, plus strand): 5'-TGAAGAAACAGAAGAACCTGATTTTACTGCATTATGTCAGAAATTAAAGATACCAGATCA[T>C]GTCAGAGAGAGAGCTTGGTTAACTTGGGAGAAAGTTTCATCTGTGGATGGAGTATTGGTA-3'
Protein context (NP_000312.2, residues 59-79): ALCQKLKIPD[His69=]VRERAWLTWE